The following is an entry in ClinVar:

ClinVar aggregate classification (germline): Uncertain significance. Review status: criteria provided, multiple submitters, no conflicts (2 of 4 stars). 2 submissions from 2 submitters: Uncertain significance (2). Last evaluated 2026-03-06.

Conditions:
Hereditary von Willebrand disease. Identifiers: Orphanet 903, MedGen C5703318, MONDO:0019565. Inheritance: Autosomal recessive or Autosomal dominant.

Allele frequency attached by ClinVar (database versions not stated): ExAC 0.00001; gnomAD 0.00001; gnomAD exomes 0.00001; TOPMed 0.00001.
gnomAD v4.1: 15 of 1,608,576 alleles (0.00093%); highest among the groups gnomAD compares: African/African-American, 0.0027%; no homozygotes.

Submissions (2):

Women's Health and Genetics/Laboratory Corporation of America, LabCorp
Classification: Uncertain significance. Last evaluated: 2026-03-06. Review status: criteria provided, single submitter. Criteria: LabCorp Variant Classification Summary - May 2015. Collection method: clinical testing. Allele origin: germline.
Comment: Variant summary: VWF c.5668G>A (p.Gly1890Arg) results in a non-conservative amino acid change in the encoded protein sequence. Algorithms developed to predict the effect of missense changes on protein structure and function are either unavailable or do not agree on the potential impact of this missense change. The variant was absent in 231986 control chromosomes (gnomAD). The available data on variant occurrences in the general population are insufficient to allow any conclusion about variant significance. c.5668G>A has been observed in an individual affected with Von Willebrand Disease type 2M with 3 other variants in trans, including a framshift (Liang_2017), and another patient with an unspecified coagulation disorder (Downes_2019). These reports do not provide unequivocal conclusions about association of the variant with Von Willebrand Disease. To our knowledge, no experimental evidence demonstrating an impact on protein function has been reported. The following publications have been ascertained in the context of this evaluation (PMID: 28536718, 31064749). ClinVar contains an entry for this variant (Variation ID: 627096). Based on the evidence outlined above, the variant was classified as uncertain significance.

NIHR Bioresource Rare Diseases, University of Cambridge
Classification: Uncertain significance for von Willebrand disorder. Last evaluated: 2019-02-01. Review status: criteria provided, single submitter. Criteria: ACMG Guidelines, 2015. Collection method: research. Allele origin: unknown. Affected: yes. Observed: 1 heterozygote. Study: ThromboGenomics.

Literature cited by the submitters: PubMed 31064749 (cited by Women's Health and Genetics/Laboratory Corporation of America, LabCorp and NIHR Bioresource Rare Diseases, University of Cambridge); PubMed 28536718 (cited by Women's Health and Genetics/Laboratory Corporation of America, LabCorp).

NM_000552.5(VWF):c.5668G>A (p.Gly1890Arg)

Gene: VWF (von Willebrand factor; minus strand). Cytogenetic location: 12p13.31.
Variant type: single nucleotide variant.
Coding change: c.5668G>A on transcript NM_000552.5 (MANE Select); coding-DNA position 5668, G replaced by A.
Protein change: p.Gly1890Arg; replaces glycine 1890 with arginine.
Molecular consequence: missense variant.
Genome position (GRCh38, 1-based): chr12:6,011,791, C>T on the plus strand (G>A on the coding strand, the complement: VWF is on the minus strand). VCF-style: chr12-6011791-C-T. GRCh37 (hg19) VCF-style: chr12-6120957-C-T.
Other names: short protein forms G1890R.
Identifiers: ClinVar variation 627096 (VCV000627096.3), dbSNP rs746837624, ClinGen allele CA6402184.
Genomic context (GRCh38, chr12:6,011,791, plus strand): 5'-TCTGGCCATCTGGCTGGCAAGTCACGGTGTGGCACTGGTCTGGCAAGGTCCAGACGTCCC[C>T]GGGCTGCAGAAGAAAACAGCAGATTCAGGCAGGGAATAAGATGAGGTACTCCAACTCTAA-3'
Protein context (NP_000543.3, residues 1880-1900): MDEDGNEKRP[Gly1890Arg]DVWTLPDQCH